The following is an entry in ClinVar:

ClinVar aggregate classification (germline): Uncertain significance (1 of 4 stars; one submission).

Conditions:
Hereditary cancer-predisposing syndrome. Also called: Hereditary neoplastic syndrome; Neoplastic Syndromes, Hereditary; Tumor predisposition; Hereditary Cancer Syndrome. Identifiers: Orphanet 140162, MedGen C0027672, MeSH D009386, MONDO:0015356.

Submission:

Ambry Genetics
Classification: Uncertain significance for Hereditary cancer-predisposing syndrome. Last evaluated: 2020-03-25. Review status: criteria provided, single submitter. Criteria: Ambry Variant Classification Scheme 2023. Collection method: clinical testing. Allele origin: germline.
Comment: The c.187_189delAGA variant (also known as p.R63del), located in coding exon 1 of the CDKN2A gene, results from a deletion of 3 nucleotides at nucleotide positions 187 to 189 of the p14 protein-encoding isoform. This results in the deletion of an arginine residue at codon 63. This amino acid position is well conserved in available vertebrate species. In addition, this alteration is predicted to be neutral by in silico analysis (Choi Y et al. PLoS ONE. 2012; 7(10):e46688). Since supporting evidence is limited at this time, the clinical significance of this alteration remains unclear.

NM_058195.4(CDKN2A):c.184AGA[1] (p.Arg63del)

Gene: CDKN2A (cyclin dependent kinase inhibitor 2A; minus strand). Cytogenetic location: 9p21.3.
Variant type: Microsatellite.
Coding change: c.184AGA[1] on transcript NM_058195.4 (MANE Plus Clinical); one copy of the 3-base unit AGA starting at c.184; the reference has two copies in a row; one copy, 3 bases deleted.
Protein change: p.Arg63del; deletes arginine 63.
Molecular consequence: inframe deletion. On other transcripts: inframe indel (1), intron variant (1).
Genome position (GRCh38, 1-based): chr9:21,994,143-21,994,145, TCT deleted on the plus strand (AGA on the coding strand, the reverse complement: CDKN2A is on the minus strand); deleting any 3 consecutive bases within chr9:21,994,143-21,994,148 gives the same sequence; the position shown is the placement nearest the transcript's 3' end. VCF-style (leftmost placement, unchanged base first): chr9-21994142-GTCT-G. GRCh37 (hg19) VCF-style: chr9-21994141-GTCT-G.
Other names: c.187_189delAGA (NM_058195.3); c.-4+676_-4+678del (NM_001363763.2); short protein forms R63del.
Identifiers: ClinVar variation 1781676 (VCV001781676.2), dbSNP rs1563902635, ClinGen allele CA2580616159.